The following is an entry in ClinVar:

NM_032447.5(FBN3):c.5917T>C (p.Cys1973Arg)

Gene: FBN3 (fibrillin 3; minus strand). Cytogenetic location: 19p13.2.
Variant type: single nucleotide variant.
Coding change: c.5917T>C on transcript NM_032447.5 (MANE Select); coding-DNA position 5917, T replaced by C.
Protein change: p.Cys1973Arg; replaces cysteine 1973 with arginine.
Molecular consequence: missense variant.
Genome position (GRCh38, 1-based): chr19:8,091,579, A>G on the plus strand (T>C on the coding strand, the complement: FBN3 is on the minus strand). VCF-style: chr19-8091579-A-G. GRCh37 (hg19) VCF-style: chr19-8156463-A-G.
Other names: c.5917T>C, p.Cys1973Arg (NM_001321431.2); short protein forms C1973R.
Identifiers: ClinVar variation 4691699 (VCV004691699.1).

ClinVar aggregate classification (germline): Uncertain significance (1 of 4 stars; one submission).

gnomAD v4.1: 24 of 1,613,934 alleles (0.0015%); highest among the groups gnomAD compares: Non-Finnish European, 0.0019%; no homozygotes.

Submission:

Labcorp Genetics (formerly Invitae), Labcorp
Classification: Uncertain significance. Last evaluated: 2025-07-19. Review status: criteria provided, single submitter. Criteria: Invitae Variant Classification Sherloc (09022015). Collection method: clinical testing. Allele origin: germline.
Comment: This sequence change replaces cysteine, which is neutral and slightly polar, with arginine, which is basic and polar, at codon 1973 of the FBN3 protein (p.Cys1973Arg). This variant is present in population databases (rs141406598, gnomAD 0.0009%). This variant has not been reported in the literature in individuals affected with FBN3-related conditions. Invitae Evidence Modeling of protein sequence and biophysical properties (such as structural, functional, and spatial information, amino acid conservation, physicochemical variation, residue mobility, and thermodynamic stability) indicates that this missense variant is expected to disrupt FBN3 protein function with a positive predictive value of 80%. In summary, the available evidence is currently insufficient to determine the role of this variant in disease. Therefore, it has been classified as a Variant of Uncertain Significance.